The following is an entry in ClinVar:

GRCh38/hg38 17q25.3(chr17:77320131-77564650)x3

Genes: MIR4316 (microRNA 4316; minus strand), SEPTIN9 (septin 9; plus strand), LOC100507351 (uncharacterized LOC100507351; plus strand), LOC112268198 (uncharacterized LOC112268198; plus strand), LOC121627813 (Sharpr-MPRA regulatory region 9876; plus strand) and 24 more. Cytogenetic location: 17q25.3.
Variant type: copy number gain.
Change: copy number 3 (three copies instead of two) of chr17:77,320,131-77,564,650 (244.5 kb, GRCh38 coordinates, 1-based), cytogenetic band 17q25.3.
Identifiers: ClinVar variation 60173 (VCV000060173.1).

ClinVar aggregate classification (germline): Uncertain significance (1 of 4 stars; one submission).

Submission:

ISCA site 15
Classification: Uncertain significance. Last evaluated: 2011-08-12. Review status: criteria provided, single submitter. Criteria: Kaminsky et al. (Genet Med. 2011). Collection method: clinical testing. Allele origin: unknown. Affected: yes. Observed: 1 variant allele.
Comment: Copy number variation identified through the course of routine clinical cytogenomic testing in postnatal populations. Clinical assertions have been curated as described in Kaminsky et al. 2011.